The following is an entry in ClinVar:

NM_014714.4(IFT140):c.910G>C (p.Asp304His)

Genes: IFT140 (intraflagellar transport 140; minus strand), LOC105371046 (uncharacterized LOC105371046; plus strand). Cytogenetic location: 16p13.3.
Variant type: single nucleotide variant.
Coding change: c.910G>C on transcript NM_014714.4 (MANE Select); coding-DNA position 910, G replaced by C.
Protein change: p.Asp304His; replaces aspartic acid 304 with histidine.
Molecular consequence: missense variant.
Genome position (GRCh38, 1-based): chr16:1,587,297, C>G on the plus strand (G>C on the coding strand, the complement: IFT140 is on the minus strand). VCF-style: chr16-1587297-C-G. GRCh37 (hg19) VCF-style: chr16-1637298-C-G.
Other names: short protein forms D304H.
Identifiers: ClinVar variation 1314038 (VCV001314038.3), dbSNP rs755311835, ClinGen allele CA7814493.

ClinVar aggregate classification (germline): Uncertain significance. Review status: criteria provided, multiple submitters, no conflicts (2 of 4 stars). 2 submissions from 2 submitters: Uncertain significance (2). Last evaluated 2022-05-11.

Allele frequency attached by ClinVar (database versions not stated): ExAC 0.00001; gnomAD exomes 0.00001.
gnomAD v4.1: 10 of 1,607,634 alleles (0.00062%); highest among the groups gnomAD compares: Non-Finnish European, 0.00085%; no homozygotes.

Submissions (2):

Blueprint Genetics
Classification: Uncertain significance. Last evaluated: 2022-05-11. Review status: criteria provided, single submitter. Criteria: ACMG Guidelines, 2015. Collection method: clinical testing. Allele origin: germline.

GeneDx
Classification: Uncertain significance. Last evaluated: 2021-01-22. Review status: criteria provided, single submitter. Criteria: GeneDx Variant Classification Process June 2021. Collection method: clinical testing. Allele origin: germline. Affected: yes.
Comment: Not observed at a significant frequency in large population cohorts (Lek et al., 2016); In silico analysis supports that this missense variant has a deleterious effect on protein structure/function; Has not been previously published as pathogenic or benign to our knowledge